The following is an entry in ClinVar:

ClinVar aggregate classification (germline): Likely pathogenic. Review status: reviewed by expert panel (3 of 4 stars). 2 submissions from 2 submitters: Likely pathogenic (1). 1 of the submissions does not count toward it. Last evaluated 2026-10-02.

Conditions:
Hereditary thrombocytopenia and hematologic cancer predisposition syndrome. Identifiers: Orphanet 71290, MedGen CN281654, MONDO:0011071.

Submissions (2):

ClinGen Myeloid Malignancy Variant Curation Expert Panel
Classification: Likely pathogenic for Hereditary thrombocytopenia and hematologic cancer predisposition syndrome. Last evaluated: 2026-10-02. Review status: reviewed by expert panel. Criteria: ClinGen MyeloMalig ACMG Specifications V3.1. Collection method: curation. Allele origin: germline. Inheritance: Autosomal dominant inheritance.
Comment: NM_001754.5(RUNX1):c.316T>A (p.Trp106Arg) is a missense variant which affects one of the amino acid residues (Trp106) within the RHD (amino acids 89-204; PM1_Supporting). This variant has a REVEL score ≥ 0.88 (0.98) (PP3) and is completely absent from all population databases with at least 20x coverage for RUNX1 (PM2_Supporting). A transactivation assay demonstrated reduced transactivation (<20% compared to WT) and data from a secondary assay demonstrated altered DNA binding (PS3; PMID: 25840971). In summary, this variant meets criteria to be classified as likely pathogenic. ACMG/AMP criteria applied, as specified by the Myeloid Malignancy Variant Curation Expert Panel for RUNX1: PM1_Supporting, PP3, PM2_Supporting, PS3.

Genetic Services Laboratory, University of Chicago
Classification: Uncertain significance. Last evaluated: 2015-09-29. Review status: criteria provided, single submitter. Criteria: ACMG Guidelines, 2015. Collection method: clinical testing. Allele origin: germline. Affected: no. Not counted in ClinVar's aggregate classification.

Literature cited by the submitters: PubMed 25840971 (cited by ClinGen Myeloid Malignancy Variant Curation Expert Panel).

NM_001754.5(RUNX1):c.316T>A (p.Trp106Arg)

Gene: RUNX1 (RUNX family transcription factor 1; minus strand). Cytogenetic location: 21q22.12.
Variant type: single nucleotide variant.
Coding change: c.316T>A on transcript NM_001754.5 (MANE Select); coding-DNA position 316, T replaced by A.
Protein change: p.Trp106Arg; replaces tryptophan 106 with arginine.
Molecular consequence: missense variant.
Genome position (GRCh38, 1-based): chr21:34,886,878, A>T on the plus strand (T>A on the coding strand, the complement: RUNX1 is on the minus strand). VCF-style: chr21-34886878-A-T. GRCh37 (hg19) VCF-style: chr21-36259175-A-T.
Other names: NM_001754.4(RUNX1):c.316T>A; NM_001754.5(RUNX1):c.316T>A; c.235T>A, p.Trp79Arg (NM_001001890.3, NM_001122607.2); short protein forms W106R, W79R.
Identifiers: ClinVar variation 436617 (VCV000436617.9), dbSNP rs1555899735, ClinGen allele CA410203508.